The following is an entry in ClinVar:

ClinVar aggregate classification (germline): Likely benign. Review status: criteria provided, multiple submitters, no conflicts (2 of 4 stars). 5 submissions from 5 submitters: Likely benign (3). 2 of the submissions do not count toward it. Last evaluated 2026-01-09.

Conditions:
Polyglandular autoimmune syndrome, type 1 (APS1). Also called: Autoimmune polyendocrine syndrome type 1; APS I; HYPOADRENOCORTICISM WITH HYPOPARATHYROIDISM AND SUPERFICIAL MONILIASIS; PGA I; Autoimmune polyendocrinopathy syndrome , type I, with or without reversible metaphyseal dysplasia; AUTOIMMUNE POLYENDOCRINE SYNDROME, TYPE I, WITH OR WITHOUT REVERSIBLE METAPHYSEAL DYSPLASIA. Identifiers: Orphanet 3453, MedGen C0085859, MONDO:0009411, OMIM 240300.
AIRE-related disorder. Also called: AIRE-related condition.

Allele frequency attached by ClinVar (database versions not stated): TOPMed 0.00008; gnomAD 0.00011 and 0.00012; 1000 Genomes Project 30x 0.00031; 1000 Genomes Project 0.00040.
gnomAD v4.1: 192 of 1,612,834 alleles (0.012%); highest among the groups gnomAD compares: Middle Eastern, 0.05%; 1 homozygote.

Submissions (5):

Labcorp Genetics (formerly Invitae), Labcorp
Classification: Likely benign for Polyglandular autoimmune syndrome, type 1. Last evaluated: 2026-01-09. Review status: criteria provided, single submitter. Criteria: Invitae Variant Classification Sherloc (09022015). Collection method: clinical testing. Allele origin: germline.

Blueprint Genetics
Classification: Likely benign. Last evaluated: 2024-06-10. Review status: criteria provided, single submitter. Criteria: ACMG Guidelines, 2015. Collection method: clinical testing. Allele origin: germline.

CeGaT Center for Human Genetics Tuebingen
Classification: Likely benign. Last evaluated: 2023-06-01. Review status: criteria provided, single submitter. Criteria: CeGaT Center For Human Genetics Tuebingen Variant Classification Criteria Version 2. Collection method: clinical testing. Allele origin: germline. Affected: yes. Observed: 1 variant allele.
Comment: AIRE: BP4, BP7

PreventionGenetics, part of Exact Sciences
Classification: Likely benign for AIRE-related condition. Last evaluated: 2021-04-26. Review status: no assertion criteria provided. Collection method: clinical testing. Allele origin: germline. Not counted in ClinVar's aggregate classification.
Comment: This variant is classified as likely benign based on ACMG/AMP sequence variant interpretation guidelines (Richards et al. 2015 PMID: 25741868, with internal and published modifications).

Natera, Inc.
Classification: Uncertain significance for Polyglandular autoimmune syndrome type 1. Last evaluated: 2020-04-20. Review status: no assertion criteria provided. Collection method: clinical testing. Allele origin: germline. Not counted in ClinVar's aggregate classification.

NM_000383.4(AIRE):c.354C>G (p.Val118=)

Gene: AIRE (autoimmune regulator; plus strand). Cytogenetic location: 21q22.3.
Variant type: single nucleotide variant.
Coding change: c.354C>G on transcript NM_000383.4 (MANE Select); coding-DNA position 354, C replaced by G.
Protein change: p.Val118=; no amino-acid change (valine 118 retained).
Molecular consequence: synonymous variant.
Genome position (GRCh38, 1-based): chr21:44,287,024, C>G. VCF-style: chr21-44287024-C-G. GRCh37 (hg19) VCF-style: chr21-45706907-C-G.
Identifiers: ClinVar variation 732745 (VCV000732745.37), dbSNP rs528667089, ClinGen allele CA10051542.